The following is an entry in ClinVar:

ClinVar aggregate classification (germline): Uncertain significance (1 of 4 stars; one submission).

Conditions:
Hyper-IgM syndrome type 5 (HIGM5). Also called: Hyper-IgM Immunodeficiency Syndrome, Type 5. Identifiers: Orphanet 101092, MedGen C1720958, MONDO:0011971, OMIM 608106.

Allele frequency attached by ClinVar (database versions not stated): gnomAD exomes below 0.00001; TOPMed below 0.00001; ExAC 0.00001; gnomAD 0.00001.
gnomAD v4.1: 7 of 1,608,168 alleles (0.00044%); highest among the groups gnomAD compares: Non-Finnish European, 0.00059%; no homozygotes.

Submission:

Labcorp Genetics (formerly Invitae), Labcorp
Classification: Uncertain significance for Hyper-IgM syndrome type 5. Last evaluated: 2022-06-02. Review status: criteria provided, single submitter. Criteria: Invitae Variant Classification Sherloc (09022015). Collection method: clinical testing. Allele origin: germline.
Comment: In summary, the available evidence is currently insufficient to determine the role of this variant in disease. Therefore, it has been classified as a Variant of Uncertain Significance. Algorithms developed to predict the effect of missense changes on protein structure and function (SIFT, PolyPhen-2, Align-GVGD) all suggest that this variant is likely to be tolerated. This variant has not been reported in the literature in individuals affected with UNG-related conditions. This variant is present in population databases (rs749500595, gnomAD 0.0009%). This sequence change replaces valine, which is neutral and non-polar, with isoleucine, which is neutral and non-polar, at codon 194 of the UNG protein (p.Val194Ile).

NM_080911.3(UNG):c.580G>A (p.Val194Ile)

Gene: UNG (uracil DNA glycosylase; plus strand). Cytogenetic location: 12q24.11.
Variant type: single nucleotide variant.
Coding change: c.580G>A on transcript NM_080911.3 (MANE Select); coding-DNA position 580, G replaced by A.
Protein change: p.Val194Ile; replaces valine 194 with isoleucine.
Molecular consequence: missense variant.
Genome position (GRCh38, 1-based): chr12:109,102,885, G>A. VCF-style: chr12-109102885-G-A. GRCh37 (hg19) VCF-style: chr12-109540690-G-A.
Other names: c.553G>A, p.Val185Ile (NM_003362.4); short protein forms V194I, V185I.
Identifiers: ClinVar variation 2151228 (VCV002151228.2), dbSNP rs749500595, ClinGen allele CA6772689.